The following is an entry in ClinVar:

ClinVar aggregate classification (germline): Pathogenic (1 of 4 stars; one submission).

Submission:

Labcorp Genetics (formerly Invitae), Labcorp
Classification: Pathogenic. Last evaluated: 2023-10-07. Review status: criteria provided, single submitter. Criteria: Invitae Variant Classification Sherloc (09022015). Collection method: clinical testing. Allele origin: germline.
Comment: This sequence change creates a premature translational stop signal (p.Arg1452Profs*49) in the ITGB4 gene. It is expected to result in an absent or disrupted protein product. Loss-of-function variants in ITGB4 are known to be pathogenic (PMID: 11328943, 16473856). This variant is not present in population databases (gnomAD no frequency). This variant has not been reported in the literature in individuals affected with ITGB4-related conditions. For these reasons, this variant has been classified as Pathogenic.

Literature cited by the submitters: PubMed 11328943; PubMed 16473856.

NM_000213.5(ITGB4):c.4563_4564del (p.Arg1522fs)

Genes: GALK1 (galactokinase 1; minus strand), ITGB4 (integrin subunit beta 4; plus strand). Cytogenetic location: 17q25.1.
Variant type: Microsatellite.
Coding change: c.4563_4564del on transcript NM_000213.5 (MANE Select); coding-DNA positions 4563 to 4564, 2 bases deleted (TC; older notation c.4563_4564delTC).
Protein change: p.Arg1522fs; shifts the reading frame from arginine 1522.
Molecular consequence: frameshift variant. On other transcripts: intron variant (2).
Genome position (GRCh38, 1-based): chr17:75,755,705-75,755,706, TC deleted; deleting any 2 consecutive bases within chr17:75,755,702-75,755,706 gives the same sequence; the c. name uses the placement nearest the transcript's 3' end. VCF-style (leftmost placement, unchanged base first): chr17-75755701-ACT-A. GRCh37 (hg19) VCF-style: chr17-73751782-ACT-A.
Other names: c.4512_4513del, p.Arg1505fs (NM_001005619.2); c.4353_4354del, p.Arg1452fs (NM_001005731.3, NM_001321123.2); c.4349-724_4349-723del (NM_001438834.1); c.*22+2331_*22+2332del (NM_001381985.1); short protein forms R1522fs, R1505fs, R1452fs.
Identifiers: ClinVar variation 2766642 (VCV002766642.3), dbSNP rs2545878700, ClinGen allele CA2697555142.
Genomic context (GRCh38, chr17:75,755,701, plus strand): 5'-TGACTCCCACTGAGACCCTAGCCCCTGCATCTCTGGCTGACTGCGGCCTCCTGTCCCCAG[ACT>A]CTCGCCTGACTGCTGGTGTGCCCGACACGCCCACCCGCCTGGTGTTCTCTGCCCTGGGGC-3'